The following is an entry in ClinVar:

NM_015978.3(TNNI3K):c.142A>G (p.Ile48Val)

Genes: FPGT-TNNI3K (FPGT-TNNI3K readthrough; plus strand), TNNI3K (TNNI3 interacting kinase; plus strand). Cytogenetic location: 1p31.1.
Variant type: single nucleotide variant.
Coding change: c.142A>G on transcript NM_015978.3 (MANE Select); coding-DNA position 142, A replaced by G.
Protein change: p.Ile48Val; replaces isoleucine 48 with valine.
Molecular consequence: missense variant.
Genome position (GRCh38, 1-based): chr1:74,236,203, A>G. VCF-style: chr1-74236203-A-G. GRCh37 (hg19) VCF-style: chr1-74701887-A-G.
Other names: c.445A>G, p.Ile149Val (NM_001112808.3, NM_001199327.2); short protein forms I149V, I48V.
Identifiers: ClinVar variation 1470410 (VCV001470410.7), dbSNP rs1653847996, ClinGen allele CA340787282.

ClinVar aggregate classification (germline): Uncertain significance. Review status: criteria provided, multiple submitters, no conflicts (2 of 4 stars). 2 submissions from 2 submitters: Uncertain significance (2). Last evaluated 2025-06-22.

Allele frequency attached by ClinVar (database versions not stated): gnomAD exomes 0.00001; TOPMed 0.00001.
gnomAD v4.1: 9 of 1,604,334 alleles (0.00056%); highest among the groups gnomAD compares: African/African-American, 0.0013%; no homozygotes.

Submissions (2):

Labcorp Genetics (formerly Invitae), Labcorp
Classification: Uncertain significance. Last evaluated: 2025-06-22. Review status: criteria provided, single submitter. Criteria: Invitae Variant Classification Sherloc (09022015). Collection method: clinical testing. Allele origin: germline.
Comment: This sequence change replaces isoleucine, which is neutral and non-polar, with valine, which is neutral and non-polar, at codon 48 of the TNNI3K protein (p.Ile48Val). This variant is not present in population databases (gnomAD no frequency). This variant has not been reported in the literature in individuals affected with TNNI3K-related conditions. ClinVar contains an entry for this variant (Variation ID: 1470410). Invitae Evidence Modeling of protein sequence and biophysical properties (such as structural, functional, and spatial information, amino acid conservation, physicochemical variation, residue mobility, and thermodynamic stability) indicates that this missense variant is not expected to disrupt TNNI3K protein function with a negative predictive value of 80%. In summary, the available evidence is currently insufficient to determine the role of this variant in disease. Therefore, it has been classified as a Variant of Uncertain Significance.

Blueprint Genetics
Classification: Uncertain significance. Last evaluated: 2022-06-16. Review status: criteria provided, single submitter. Criteria: ACMG Guidelines, 2015. Collection method: clinical testing. Allele origin: germline.